The following is an entry in ClinVar:

ClinVar aggregate classification (germline): Uncertain significance (1 of 4 stars; one submission).

gnomAD v4.1: 6 of 1,587,948 alleles (0.00038%); highest among the groups gnomAD compares: Admixed American, 0.011%; no homozygotes.

Submission:

Labcorp Genetics (formerly Invitae), Labcorp
Classification: Uncertain significance. Last evaluated: 2022-07-01. Review status: criteria provided, single submitter. Criteria: Invitae Variant Classification Sherloc (09022015). Collection method: clinical testing. Allele origin: germline.
Comment: This sequence change replaces glycine, which is neutral and non-polar, with tryptophan, which is neutral and slightly polar, at codon 308 of the ADSSL1 protein (p.Gly308Trp). This variant also falls at the last nucleotide of exon 8, which is part of the consensus splice site for this exon. This variant is present in population databases (rs145665881, gnomAD 0.02%). This variant has not been reported in the literature in individuals affected with ADSSL1-related conditions. Algorithms developed to predict the effect of missense changes on protein structure and function are either unavailable or do not agree on the potential impact of this missense change (SIFT: "Not Available"; PolyPhen-2: "Probably Damaging"; Align-GVGD: "Not Available"). Variants that disrupt the consensus splice site are a relatively common cause of aberrant splicing (PMID: 17576681, 9536098). In summary, the available evidence is currently insufficient to determine the role of this variant in disease. Therefore, it has been classified as a Variant of Uncertain Significance.

Literature cited by the submitters: PubMed 17576681; PubMed 9536098.

NM_152328.5(ADSS1):c.793G>T (p.Gly265Trp)

Gene: ADSS1 (adenylosuccinate synthase 1; plus strand). Cytogenetic location: 14q32.33.
Variant type: single nucleotide variant.
Coding change: c.793G>T on transcript NM_152328.5 (MANE Select); coding-DNA position 793, G replaced by T.
Protein change: p.Gly265Trp; replaces glycine 265 with tryptophan.
Molecular consequence: missense variant.
Genome position (GRCh38, 1-based): chr14:104,741,243, G>T. VCF-style: chr14-104741243-G-T. GRCh37 (hg19) VCF-style: chr14-105207580-G-T.
Other names: c.178G>T, p.Gly60Trp (NM_001320424.1); c.922G>T, p.Gly308Trp (NM_199165.2); short protein forms G265W, G308W, G60W.
Identifiers: ClinVar variation 1895667 (VCV001895667.2), dbSNP rs145665881, ClinGen allele CA7373849.